The following is an entry in ClinVar:

ClinVar aggregate classification (germline): Likely benign (1 of 4 stars; one submission).

Allele frequency attached by ClinVar (database versions not stated): TOPMed 0.00002.
gnomAD v4.1: 2 of 398,742 alleles (0.0005%); highest among the groups gnomAD compares: Admixed American, 0.0088%; no homozygotes.

Submission:

GeneDx
Classification: Likely benign. Last evaluated: 2017-03-14. Review status: criteria provided, single submitter. Criteria: GeneDx Variant Classification (06012015). Collection method: clinical testing. Allele origin: germline. Affected: yes.
Comment: This variant is considered likely benign or benign based on one or more of the following criteria: it is a conservative change, it occurs at a poorly conserved position in the protein, it is predicted to be benign by multiple in silico algorithms, and/or has population frequency not consistent with disease.

NM_000368.5(TSC1):c.-159G>A

Gene: TSC1 (TSC complex subunit 1; minus strand). Cytogenetic location: 9q34.13.
Variant type: single nucleotide variant.
Coding change: c.-159G>A on transcript NM_000368.5 (MANE Select); 159 bases upstream of the start codon, G replaced by A.
Molecular consequence: 5 prime UTR variant.
Genome position (GRCh38, 1-based): chr9:132,944,558, C>T on the plus strand (G>A on the coding strand, the complement: TSC1 is on the minus strand). VCF-style: chr9-132944558-C-T. GRCh37 (hg19) VCF-style: chr9-135819945-C-T.
Other names: c.-159G>A (NM_001162426.2, NM_001162427.2); c.-418G>A (NM_001362177.2).
Identifiers: ClinVar variation 378764 (VCV000378764.1), dbSNP rs530965070, ClinGen allele CA16605396.